The following is an entry in ClinVar:

ClinVar aggregate classification (germline): Likely pathogenic. Review status: criteria provided, multiple submitters, no conflicts (2 of 4 stars). 2 submissions from 2 submitters: Likely pathogenic (2). Last evaluated 2025-11-17.

Conditions:
Autosomal recessive polycystic kidney disease (ARPKD). Also called: AR polycystic kidney disease. Identifiers: Orphanet 731, Orphanet 8378, MedGen C0085548, MeSH D017044, MONDO:0009889.

Submissions (2):

Natera, Inc.
Classification: Likely pathogenic for Autosomal recessive polycystic kidney disease. Last evaluated: 2025-11-17. Review status: criteria provided, single submitter. Criteria: Natera Variant Classification Schema (03/2026). Collection method: clinical testing. Allele origin: germline.
Comment: The c.8441-1G>A variant in PKHD1 is a canonical splice acceptor site variant predicted to affect pre-mRNA splicing, which may result in an abnormal transcript and altered protein product. This variant is expected to result in nonsense mediated decay, truncation, or a dysfunctional protein product. This variant is rare in the general population with a frequency below the threshold expected for the associated phenotype(s). This variant has been observed in one or more individuals affected with the associated recessive disease, as either homozygous or compound heterozygous with a second variant (PMID: 36657418). Given the available evidence, this variant is classified as Likely Pathogenic.

Labcorp Genetics (formerly Invitae), Labcorp
Classification: Likely pathogenic for Autosomal recessive polycystic kidney disease. Last evaluated: 2023-03-14. Review status: criteria provided, single submitter. Criteria: Invitae Variant Classification Sherloc (09022015). Collection method: clinical testing. Allele origin: germline.
Comment: In summary, the currently available evidence indicates that the variant is pathogenic, but additional data are needed to prove that conclusively. Therefore, this variant has been classified as Likely Pathogenic. Algorithms developed to predict the effect of sequence changes on RNA splicing suggest that this variant may disrupt the consensus splice site. Disruption of this splice site has been observed in individual(s) with polycystic kidney disease (Invitae). This variant is not present in population databases (gnomAD no frequency). This sequence change affects an acceptor splice site in intron 53 of the PKHD1 gene. It is expected to disrupt RNA splicing. Variants that disrupt the donor or acceptor splice site typically lead to a loss of protein function (PMID: 16199547), and loss-of-function variants in PKHD1 are known to be pathogenic (PMID: 19940839).

Literature cited by the submitters: PubMed 36657418 (cited by Natera, Inc.); PubMed 16199547 (cited by Labcorp Genetics (formerly Invitae), Labcorp); PubMed 19940839 (cited by Labcorp Genetics (formerly Invitae), Labcorp).

NM_138694.4(PKHD1):c.8441-1G>A

Gene: PKHD1 (PKHD1 ciliary IPT domain containing fibrocystin/polyductin; minus strand). Cytogenetic location: 6p12.3.
Variant type: single nucleotide variant.
Coding change: c.8441-1G>A on transcript NM_138694.4 (MANE Select); the canonical splice acceptor site of the intron before coding-DNA position 8441, G replaced by A.
Molecular consequence: splice acceptor variant.
Genome position (GRCh38, 1-based): chr6:51,775,922, C>T on the plus strand (G>A on the coding strand, the complement: PKHD1 is on the minus strand). VCF-style: chr6-51775922-C-T. GRCh37 (hg19) VCF-style: chr6-51640720-C-T.
Other names: c.8441-1G>A (NM_170724.3, NM_138694.3).
Identifiers: ClinVar variation 3011219 (VCV003011219.5), dbSNP rs1484189435, ClinGen allele CA364438651.
Genomic context (GRCh38, chr6:51,775,922, plus strand): 5'-CTGAGGCTCTAAGGAGAATCAGAAGCTTTTGTTCCTTTTCTAAGGGATTTTCTAAAGTAC[C>T]TGTTTACAAAGAAAAGTATATCATTCAAATCAATTTGAAATTAAAAGAAAGAGAGGGAGA-3'